The following is an entry in ClinVar:

ClinVar aggregate classification (germline): Uncertain significance. Review status: criteria provided, multiple submitters, no conflicts (2 of 4 stars). 2 submissions from 2 submitters: Uncertain significance (2). Last evaluated 2023-12-24.

Conditions:
Dyskeratosis congenita, autosomal dominant 6 (DKCA6). Identifiers: Orphanet 3322, MedGen C4225284, MONDO:0014690, OMIM 616553.
Inborn genetic diseases. Identifiers: MedGen C0950123, MeSH D030342.

Allele frequency attached by ClinVar (database versions not stated): TOPMed below 0.00001; gnomAD exomes 0.00003 and 0.00008; ExAC 0.00007.
gnomAD v4.1: 48 of 1,612,580 alleles (0.003%); highest among the groups gnomAD compares: South Asian, 0.045%; no homozygotes.

Submissions (2):

Ambry Genetics
Classification: Uncertain significance for Inborn genetic diseases. Last evaluated: 2023-12-24. Review status: criteria provided, single submitter. Criteria: Ambry Variant Classification Scheme 2023. Collection method: clinical testing. Allele origin: germline.
Comment: The p.H79Y variant (also known as c.235C>T), located in coding exon 1 of the ACD gene, results from a C to T substitution at nucleotide position 235. The histidine at codon 79 is replaced by tyrosine, an amino acid with similar properties. This amino acid position is conserved. In addition, this alteration is predicted to be tolerated by in silico analysis. Since supporting evidence is limited at this time, the clinical significance of this alteration remains unclear.

Labcorp Genetics (formerly Invitae), Labcorp
Classification: Uncertain significance for Dyskeratosis congenita, autosomal dominant 6. Last evaluated: 2023-08-06. Review status: criteria provided, single submitter. Criteria: Invitae Variant Classification Sherloc (09022015). Collection method: clinical testing. Allele origin: germline.
Comment: In summary, the available evidence is currently insufficient to determine the role of this variant in disease. Therefore, it has been classified as a Variant of Uncertain Significance. An algorithm developed to predict the effect of missense changes on protein structure and function (PolyPhen-2) suggests that this variant is likely to be tolerated. ClinVar contains an entry for this variant (Variation ID: 862763). This variant has not been reported in the literature in individuals affected with ACD-related conditions. This variant is present in population databases (rs770445581, gnomAD 0.07%). This sequence change replaces histidine, which is basic and polar, with tyrosine, which is neutral and polar, at codon 79 of the ACD protein (p.His79Tyr).

NM_001082486.2(ACD):c.-24C>T

Gene: ACD (ACD shelterin complex subunit and telomerase recruitment factor; minus strand). Cytogenetic location: 16q22.1.
Variant type: single nucleotide variant.
Coding change: c.-24C>T on transcript NM_001082486.2 (MANE Select); 24 bases upstream of the start codon, C replaced by T.
Molecular consequence: 5 prime UTR variant.
Genome position (GRCh38, 1-based): chr16:67,660,244, G>A on the plus strand (C>T on the coding strand, the complement: ACD is on the minus strand). VCF-style: chr16-67660244-G-A. GRCh37 (hg19) VCF-style: chr16-67694147-G-A.
Other names: c.-24C>T (NM_022914.3).
Identifiers: ClinVar variation 862763 (VCV000862763.11), dbSNP rs770445581, ClinGen allele CA8114859.